The following is an entry in ClinVar:

ClinVar aggregate classification (germline): Uncertain significance (1 of 4 stars; one submission).

Submission:

Foulkes Cancer Genetics LDI, Lady Davis Institute for Medical Research
Classification: Uncertain significance. Last evaluated: 2019-07-01. Review status: criteria provided, single submitter. Criteria: ACMG Guidelines, 2015. Collection method: curation. Allele origin: germline. Affected: yes. Observed: 1 variant allele.
Comment: ACMG criteria met: None

Literature cited by the submitters: PubMed 25526195.

NM_177438.3(DICER1):c.1907+131_1907+134del

Gene: DICER1 (dicer 1, ribonuclease III; minus strand). Cytogenetic location: 14q32.13.
Variant type: Deletion.
Coding change: c.1907+131_1907+134del on transcript NM_177438.3 (MANE Select); bases 131 to 134 of the intron after coding-DNA position 1907, 4 bases deleted (GAAA; older notation c.1907+131_1907+134delGAAA).
Molecular consequence: intron variant.
Genome position (GRCh38, 1-based): chr14:95,115,533-95,115,536, TTTC deleted on the plus strand (GAAA on the coding strand, the reverse complement: DICER1 is on the minus strand); deleting any 4 consecutive bases within chr14:95,115,533-95,115,539 gives the same sequence; the c. name uses the placement nearest the transcript's 3' end. VCF-style (leftmost placement, unchanged base first): chr14-95115532-TTTTC-T. GRCh37 (hg19) VCF-style: chr14-95581869-TTTTC-T.
Other names: c.1907+131_1907+134del (NM_001291628.2, NM_030621.4, NM_001271282.3 and 1 more transcripts).
Identifiers: ClinVar variation 932970 (VCV000932970.2), dbSNP rs1892359422, ClinGen allele CA1139663667.